The following is an entry in ClinVar:

NM_006231.4(POLE):c.3934G>C (p.Ala1312Pro)

Gene: POLE (DNA polymerase epsilon, catalytic subunit; minus strand). Cytogenetic location: 12q24.33.
Variant type: single nucleotide variant.
Coding change: c.3934G>C on transcript NM_006231.4 (MANE Select); coding-DNA position 3934, G replaced by C.
Protein change: p.Ala1312Pro; replaces alanine 1312 with proline.
Molecular consequence: missense variant.
Genome position (GRCh38, 1-based): chr12:132,649,377, C>G on the plus strand (G>C on the coding strand, the complement: POLE is on the minus strand). VCF-style: chr12-132649377-C-G. GRCh37 (hg19) VCF-style: chr12-133225963-C-G.
Other names: short protein forms A1312P.
Identifiers: ClinVar variation 2848344 (VCV002848344.3), dbSNP rs1565945759, ClinGen allele CA387385035.
Genomic context (GRCh38, chr12:132,649,377, plus strand): 5'-GCCACGGAAGGTCCAGGATGCTGCGGGCAGTTCTTCGCAAGAAGCTCCCCAGCCCCGTGG[C>G]AGGACCATCCCGGATGGCCCCGGGCCTGAGCACACCCTCTGCCGACTCCAGACGCTGCCT-3'
Protein context (NP_006222.2, residues 1302-1322): LRPGAIRDGP[Ala1312Pro]TGLGSFLRRT

ClinVar aggregate classification (germline): Uncertain significance (1 of 4 stars; one submission).

Submission:

Labcorp Genetics (formerly Invitae), Labcorp
Classification: Uncertain significance. Last evaluated: 2023-03-21. Review status: criteria provided, single submitter. Criteria: Invitae Variant Classification Sherloc (09022015). Collection method: clinical testing. Allele origin: germline.
Comment: This sequence change replaces alanine, which is neutral and non-polar, with proline, which is neutral and non-polar, at codon 1312 of the POLE protein (p.Ala1312Pro). This variant is not present in population databases (gnomAD no frequency). This variant has not been reported in the literature in individuals affected with POLE-related conditions. Advanced modeling of protein sequence and biophysical properties (such as structural, functional, and spatial information, amino acid conservation, physicochemical variation, residue mobility, and thermodynamic stability) performed at Invitae indicates that this missense variant is not expected to disrupt POLE protein function. In summary, the available evidence is currently insufficient to determine the role of this variant in disease. Therefore, it has been classified as a Variant of Uncertain Significance.